The following is an entry in ClinVar:

NM_001017995.3(SH3PXD2B):c.*1215A>G

Gene: SH3PXD2B (SH3 and PX domains 2B; minus strand). Cytogenetic location: 5q35.1.
Variant type: single nucleotide variant.
Coding change: c.*1215A>G on transcript NM_001017995.3 (MANE Select); 1215 bases downstream of the stop codon, A replaced by G.
Molecular consequence: 3 prime UTR variant. On other transcripts: intron variant (1).
Genome position (GRCh38, 1-based): chr5:172,337,154, T>C on the plus strand (A>G on the coding strand, the complement: SH3PXD2B is on the minus strand). VCF-style: chr5-172337154-T-C. GRCh37 (hg19) VCF-style: chr5-171764158-T-C.
Other names: c.1188+8982A>G (NM_001308175.2).
Identifiers: ClinVar variation 352777 (VCV000352777.5), dbSNP rs4424012, ClinGen allele CA10624043.

ClinVar aggregate classification (germline): Benign (1 of 4 stars; one submission).

Conditions:
Frank-Ter Haar syndrome. Also called: BORRONE DERMATOCARDIOSKELETAL SYNDROME; TER HAAR SYNDROME; MELNICK-NEEDLES SYNDROME, AUTOSOMAL RECESSIVE; Borrone di Rocco Crovato syndrome. Identifiers: Orphanet 1266, Orphanet 137834, MedGen C1855305, MONDO:0009579, OMIM 249420.

Allele frequency attached by ClinVar (database versions not stated): TOPMed 0.65579; gnomAD 0.65711 and 0.66187; 1000 Genomes Project 30x 0.70144; 1000 Genomes Project 0.70308.
gnomAD v4.1: 628,664 of 985,236 alleles (64%); highest among the groups gnomAD compares: South Asian, 83%; 201,515 homozygotes.

Submission:

Illumina Laboratory Services, Illumina
Classification: Benign for Frank-Ter Haar syndrome. Last evaluated: 2018-01-12. Review status: criteria provided, single submitter. Criteria: ICSL Variant Classification Criteria 13 December 2019. Collection method: clinical testing. Allele origin: germline.
Comment: This variant was observed in the ICSL laboratory as part of a predisposition screen in an ostensibly healthy population. It had not been previously curated by ICSL or reported in the Human Gene Mutation Database (HGMD: prior to June 1st, 2018), and was therefore a candidate for classification through an automated scoring system. Utilizing variant allele frequency, disease prevalence and penetrance estimates, and inheritance mode, an automated score was calculated to assess if this variant is too frequent to cause the disease. Based on the score and internal cut-off values, a variant classified as benign is not then subjected to further curation. The score for this variant resulted in a classification of benign for this disease.